The following is an entry in ClinVar:

NM_000548.5(TSC2):c.5211C>T (p.Pro1737=)

Gene: TSC2 (TSC complex subunit 2; plus strand). Cytogenetic location: 16p13.3.
Variant type: single nucleotide variant.
Coding change: c.5211C>T on transcript NM_000548.5 (MANE Select); coding-DNA position 5211, C replaced by T.
Protein change: p.Pro1737=; no amino-acid change (proline 1737 retained).
Molecular consequence: synonymous variant.
Genome position (GRCh38, 1-based): chr16:2,088,277, C>T. VCF-style: chr16-2088277-C-T. GRCh37 (hg19) VCF-style: chr16-2138278-C-T.
Other names: c.5010C>T, p.Pro1670= (NM_001077183.3); c.5142C>T, p.Pro1714= (NM_001114382.3); c.4902C>T, p.Pro1634= (NM_001318827.2); c.4866C>T, p.Pro1622= (NM_001318829.2); c.4479C>T, p.Pro1493= (NM_001318831.2); c.5043C>T, p.Pro1681= (NM_001318832.2); c.5013C>T, p.Pro1671= (NM_001363528.2); c.5079C>T, p.Pro1693= (NM_001370404.1); and 2 more.
Identifiers: ClinVar variation 468148 (VCV000468148.17), dbSNP rs151298910, ClinGen allele CA054466.

ClinVar aggregate classification (germline): Benign/Likely benign. Review status: criteria provided, multiple submitters, no conflicts (2 of 4 stars). 5 submissions from 5 submitters: Benign (2); Likely benign (3). Last evaluated 2025-07-27.

Conditions:
Hereditary cancer-predisposing syndrome. Also called: Hereditary neoplastic syndrome; Neoplastic Syndromes, Hereditary; Tumor predisposition; Hereditary Cancer Syndrome. Identifiers: Orphanet 140162, MedGen C0027672, MeSH D009386, MONDO:0015356.
Tuberous sclerosis 2 (TSC2). Identifiers: Orphanet 805, MedGen C1860707, MONDO:0013199, OMIM 613254.
Tuberous sclerosis syndrome (TSC). Also called: Tuberous Sclerosis Complex; Tuberous sclerosis. Identifiers: Orphanet 805, MedGen C0041341, MONDO:0001734.

Allele frequency attached by ClinVar (database versions not stated): TOPMed 0.00002.

Submissions (5):

Labcorp Genetics (formerly Invitae), Labcorp
Classification: Likely benign for Tuberous sclerosis 2. Last evaluated: 2025-07-27. Review status: criteria provided, single submitter. Criteria: Invitae Variant Classification Sherloc (09022015). Collection method: clinical testing. Allele origin: germline.

Myriad Genetics, Inc.
Classification: Benign for Tuberous sclerosis 2. Last evaluated: 2025-06-06. Review status: criteria provided, single submitter. Criteria: Myriad Autosomal Dominant, Autosomal Recessive and X-Linked Classification Criteria (2023). Collection method: clinical testing. Allele origin: unknown.
Comment: This variant is considered benign. This variant is a silent/synonymous amino acid change and it is not expected to impact splicing.

All of Us Research Program, National Institutes of Health
Classification: Likely benign for Tuberous sclerosis syndrome. Last evaluated: 2024-05-14. Review status: criteria provided, single submitter. Criteria: ACMG Guidelines, 2015. Collection method: clinical testing. Allele origin: germline. Inheritance: Autosomal dominant inheritance. Observed: 1 variant allele, 1 heterozygote.
Comment: This study involves interpretation of variants in research participants for the purpose of population health screening. Participant phenotype was not available at the time of variant classification. Additional details can be found in publication PMID: 35346344, PMCID: PMC8962531

Genome-Nilou Lab
Classification: Benign for Tuberous sclerosis 2. Last evaluated: 2021-11-07. Review status: criteria provided, single submitter. Criteria: ACMG Guidelines, 2015. Collection method: clinical testing. Allele origin: germline. Affected: no.

Ambry Genetics
Classification: Likely benign for Hereditary cancer-predisposing syndrome. Last evaluated: 2018-05-15. Review status: criteria provided, single submitter. Criteria: Ambry Variant Classification Scheme 2023. Collection method: clinical testing. Allele origin: germline.